The following is an entry in ClinVar:

ClinVar aggregate classification (germline): Uncertain significance (1 of 4 stars; one submission).

Allele frequency attached by ClinVar (database versions not stated): gnomAD exomes below 0.00001; gnomAD 0.00004; TOPMed 0.00005; ExAC 0.00007.
gnomAD v4.1: 8 of 1,547,182 alleles (0.00052%); highest among the groups gnomAD compares: African/African-American, 0.011%; no homozygotes.

Submission:

GeneDx
Classification: Uncertain significance. Last evaluated: 2017-08-25. Review status: criteria provided, single submitter. Criteria: GeneDx Variant Classification (06012015). Collection method: clinical testing. Allele origin: germline. Affected: yes.
Comment: The K134M variant in the NKX2-6 gene has not been reported previously as a pathogenic variant, nor as a benign variant, to our knowledge. This variant is not observed at a significant frequency in large population cohorts (Lek et al., 2016; 1000 Genomes Consortium et al., 2015; Exome Variant Server). The K134M variant is a non-conservative amino acid substitution, which is likely to impact secondary protein structure as these residues differ in polarity, charge, size and/or other properties. This substitution occurs at a position where amino acids with similar properties to Lysine are tolerated across species. In silico analysis predicts this variant is probably damaging to the protein structure/function. We interpret K134M as a variant of uncertain significance.

NM_001136271.3(NKX2-6):c.401A>T (p.Lys134Met)

Gene: NKX2-6 (NK2 homeobox 6; minus strand). Cytogenetic location: 8p21.2.
Variant type: single nucleotide variant.
Coding change: c.401A>T on transcript NM_001136271.3 (MANE Select); coding-DNA position 401, A replaced by T.
Protein change: p.Lys134Met; replaces lysine 134 with methionine.
Molecular consequence: missense variant.
Genome position (GRCh38, 1-based): chr8:23,702,956, T>A on the plus strand (A>T on the coding strand, the complement: NKX2-6 is on the minus strand). VCF-style: chr8-23702956-T-A. GRCh37 (hg19) VCF-style: chr8-23560469-T-A.
Other names: short protein forms K134M.
Identifiers: ClinVar variation 451686 (VCV000451686.2), dbSNP rs746288922, ClinGen allele CA4677985.